The following is an entry in ClinVar:

NM_000256.3(MYBPC3):c.2308+1G>A

Gene: MYBPC3 (myosin binding protein C3; minus strand). Cytogenetic location: 11p11.2.
Variant type: single nucleotide variant.
Coding change: c.2308+1G>A on transcript NM_000256.3 (MANE Select); the canonical splice donor site of the intron after coding-DNA position 2308, G replaced by A.
Molecular consequence: splice donor variant.
Genome position (GRCh38, 1-based): chr11:47,338,519, C>T on the plus strand (G>A on the coding strand, the complement: MYBPC3 is on the minus strand). VCF-style: chr11-47338519-C-T. GRCh37 (hg19) VCF-style: chr11-47360070-C-T.
Other names: IVS23, G-A, +1.
Identifiers: ClinVar variation 42610 (VCV000042610.35), dbSNP rs112738974, ClinGen allele CA011996.

ClinVar aggregate classification (germline): Pathogenic. Review status: criteria provided, multiple submitters, no conflicts (2 of 4 stars). 16 submissions from 16 submitters: Pathogenic (12). 4 of the submissions do not count toward it. Last evaluated 2026-05-06.

Conditions:
Hypertrophic cardiomyopathy 1 (CMH1). Also called: Familial hypertrophic cardiomyopathy 1; MYH7-Related Familial Hypertrophic Cardiomyopathy. Identifiers: MedGen C3495498, MONDO:0008647, OMIM 192600.
Cardiomyopathy (CMYO). Also called: Cardiomyopathies. Identifiers: Orphanet 167848, MedGen C0878544, MONDO:0004994, HP:0001638. Inheritance: Various modes of inheritance.
Primary familial hypertrophic cardiomyopathy (HCM). Identifiers: Orphanet 99739, MedGen C0949658, MeSH D024741, MONDO:0024573. Inheritance: Various modes of inheritance.
Hypertrophic cardiomyopathy. Also called: HYPERTROPHIC MYOCARDIOPATHY. Identifiers: Orphanet 217569, MedGen C0007194, MeSH D002312, MONDO:0005045, HP:0001639.
Hypertrophic cardiomyopathy 4. Also called: Familial hypertrophic cardiomyopathy 4. Identifiers: MedGen C1861862, MONDO:0007268, OMIM 115197.
Cardiovascular phenotype. Identifiers: MedGen CN230736.

Allele frequency attached by ClinVar (database versions not stated): TOPMed below 0.00001; ESP Exome Variant Server 0.00008.

Submissions 1 to 10 of 16:

Ambry Genetics
Classification: Pathogenic for Cardiovascular phenotype. Last evaluated: 2026-05-06. Review status: criteria provided, single submitter. Criteria: Ambry Variant Classification Scheme 2023. Collection method: clinical testing. Allele origin: germline.
Comment: The c.2308+1G>A intronic variant consists of a G to A substitution one nucleotide after exon 23 (coding exon 23) of the MYBPC3 gene. Variants that disrupt the canonical splice site are expected to cause aberrant splicing, resulting in an abnormal protein or a transcript that is subject to nonsense-mediated mRNA decay. This variant was not reported in population-based cohorts in the Genome Aggregation Database (gnomAD). This variant, also referred to as IVS23+1G>A in the literature, has been detected in multiple individuals reported to have hypertrophic cardiomyopathy, and has been detected in affected individuals within families (Carrier L et al. Circ Res. 1997;80:427-34; Ingles J et al. J Med Genet. 2005;42:e59; Ehlermann P et al. BMC Med Genet. 2008;9:95; Oliva-Sandoval MJ et al. Heart. 2010;96:1980-4; Murphy SL et al. J Cardiovasc Transl Res. 2016;9:153-61; Walsh R et al. Genet Med. 2017 02;19:192-203). This nucleotide position is highly conserved in available vertebrate species. In silico splice site analysis predicts that this alteration will weaken the native splice donor site and may result in the creation or strengthening of a novel splice donor site. Based on the available evidence, this alteration is classified as pathogenic.

Labcorp Genetics (formerly Invitae), Labcorp
Classification: Pathogenic for Hypertrophic cardiomyopathy. Last evaluated: 2025-07-09. Review status: criteria provided, single submitter. Criteria: Invitae Variant Classification Sherloc (09022015). Collection method: clinical testing. Allele origin: germline.
Comment: This sequence change affects a donor splice site in intron 23 of the MYBPC3 gene. It is expected to disrupt RNA splicing. Variants that disrupt the donor or acceptor splice site typically lead to a loss of protein function (PMID: 16199547), and loss-of-function variants in MYBPC3 are known to be pathogenic (PMID: 19574547). This variant is not present in population databases (gnomAD no frequency). Disruption of this splice site has been observed in individuals with hypertrophic cardiomyopathy (PMID: 9048664, 12707239, 18957093, 21088121). It has also been observed to segregate with disease in related individuals. This variant is also known as IVS23+1G>A. ClinVar contains an entry for this variant (Variation ID: 42610). Algorithms developed to predict the effect of sequence changes on RNA splicing suggest that this variant may disrupt the consensus splice site. For these reasons, this variant has been classified as Pathogenic.

GeneDx
Classification: Pathogenic. Last evaluated: 2024-07-21. Review status: criteria provided, single submitter. Criteria: GeneDx Variant Classification Process June 2021. Collection method: clinical testing. Allele origin: germline. Affected: yes.
Comment: Haplotype analysis supported a founder effect for this variant in individuals from Spain (PMID: 28687478); Canonical splice site variant demonstrated to result in loss of function with skipping of exon 23 (PMID: 9048664); Not observed at significant frequency in large population cohorts (gnomAD); This variant is associated with the following publications: (PMID: 25637381, 25525159, 27532257, 30550750, 30847666, 31513939, 16199542, 18957093, 24510615, 20439259, 12707239, 29247119, 28029522, 31589614, 33673806, 9048664, 38406555, 37652022, 36243179, 21088121, 26914223, 28687478)

Women's Health and Genetics/Laboratory Corporation of America, LabCorp
Classification: Pathogenic for Cardiomyopathy. Last evaluated: 2024-06-28. Review status: criteria provided, single submitter. Criteria: LabCorp Variant Classification Summary - May 2015. Collection method: clinical testing. Allele origin: germline.
Comment: Variant summary: MYBPC3 c.2308+1G>A is located in a canonical splice-site and is predicted to affect mRNA splicing resulting in a significantly altered protein due to either exon skipping, shortening, or inclusion of intronic material. Several computational tools predict a significant impact on normal splicing: Four predict the variant abolishes a canonical 5' splicing donor site. This impact on mRNA splicing was experimentally confirmed using patient lymphocytes (Carrier_1997, Sabater-Molina_2017). The variant was absent in 249118 control chromosomes (gnomAD). c.2308+1G>A has been reported in the literature in multiple individuals affected with Hypertrophic Cardiomyopathy, and segregated with disease within pedigrees where family history was available (e.g. Carrier_1997, Ehlermann_2008, Sabater-Molina_2017). These data indicate that the variant is very likely to be associated with disease. The following publications have been ascertained in the context of this evaluation (PMID: 9048664, 18957093, 28029522). Six ClinVar submitters have assessed the variant since 2014, and all submitters classified the variant as pathogenic. Based on the evidence outlined above, the variant was classified as pathogenic.

All of Us Research Program, National Institutes of Health
Classification: Pathogenic for Hypertrophic cardiomyopathy. Last evaluated: 2023-07-19. Review status: criteria provided, single submitter. Criteria: ACMG Guidelines, 2015. Collection method: clinical testing. Allele origin: germline. Inheritance: Autosomal dominant inheritance. Observed: 1 variant allele, 1 heterozygote.
Comment: This variant causes a G to A nucleotide substitution at the +1 position of intron 23 of the MYBPC3 gene. Splice site prediction tools predict that this variant may have a significant impact on RNA splicing. A functional mRNA study demonstrated splice site inactivation and skipping of exon 23, generating a truncated and prematurely terminated protein product (PMID: 9048664). This variant has been reported in over twenty individuals affected with hypertrophic cardiomyopathy (PMID: 9048664, 18957093, 21088121, 9048664, 18957093, 21088121). It has been shown that this variant segregates with disease in multiple affected individuals across multiple families (PMID: 9048664, 18957093, 21088121). This variant has not been identified in the general population by the Genome Aggregation Database (gnomAD). Loss of MYBPC3 function is a known mechanism of disease. Based on the available evidence, this variant is classified as Pathogenic.

This study involves interpretation of variants in research participants for the purpose of population health screening. Participant phenotype was not available at the time of variant classification. Additional details can be found in publication PMID: 35346344, PMCID: PMC8962531

Color Diagnostics, LLC DBA Color Health
Classification: Pathogenic for Cardiomyopathy. Last evaluated: 2022-11-18. Review status: criteria provided, single submitter. Criteria: ACMG Guidelines, 2015. Collection method: clinical testing. Allele origin: germline.
Comment: This variant causes a G to A nucleotide substitution at the +1 position of intron 23 of the MYBPC3 gene. Splice site prediction tools predict that this variant may have a significant impact on RNA splicing. A functional mRNA study demonstrated splice site inactivation and skipping of exon 23, generating a truncated and prematurely terminated protein product (PMID: 9048664). This variant has been reported in over twenty individuals affected with hypertrophic cardiomyopathy (PMID: 9048664, 18957093, 21088121, 9048664, 18957093, 21088121). It has been shown that this variant segregates with disease in multiple affected individuals across multiple families (PMID: 9048664, 18957093, 21088121). This variant has not been identified in the general population by the Genome Aggregation Database (gnomAD). Loss of MYBPC3 function is a known mechanism of disease. Based on the available evidence, this variant is classified as Pathogenic.

Mayo Clinic Laboratories, Mayo Clinic
Classification: Pathogenic. Last evaluated: 2021-12-21. Review status: criteria provided, single submitter. Criteria: ACMG Guidelines, 2015. Collection method: clinical testing. Allele origin: germline.
Comment: PP1_moderate, PM2_supporting, PS4_moderate, PVS1

Molecular Diagnostic Laboratory for Inherited Cardiovascular Disease, Montreal Heart Institute
Classification: Pathogenic for Hypertrophic cardiomyopathy 1. Last evaluated: 2020-04-21. Review status: criteria provided, single submitter. Criteria: ACMG Guidelines, 2015. Collection method: clinical testing. Allele origin: germline. Affected: yes.

Center for Human Genetics, University of Leuven
Classification: Pathogenic for Hypertrophic cardiomyopathy. Last evaluated: 2018-10-31. Review status: criteria provided, single submitter. Criteria: ACMG Guidelines, 2015. Collection method: clinical testing. Allele origin: germline. Affected: yes.

Clinical Genetics DNA and cytogenetics Diagnostics Lab, Erasmus MC, Erasmus Medical Center
Classification: Pathogenic for Hypertrophic cardiomyopathy 4. Last evaluated: 2017-05-31. Review status: criteria provided, single submitter. Criteria: ACGS Guidelines, 2013. Collection method: clinical testing. Allele origin: germline. Affected: yes. Study: VKGL Data-share Consensus.